The following is an entry in ClinVar:

NM_001353345.2(SETD1B):c.2983G>A (p.Glu995Lys)

Gene: SETD1B (SET domain containing 1B, histone lysine methyltransferase; plus strand). Cytogenetic location: 12q24.31.
Variant type: single nucleotide variant.
Coding change: c.2983G>A on transcript NM_001353345.2 (MANE Select); coding-DNA position 2983, G replaced by A.
Protein change: p.Glu995Lys; replaces glutamic acid 995 with lysine.
Molecular consequence: missense variant.
Genome position (GRCh38, 1-based): chr12:121,817,375, G>A. VCF-style: chr12-121817375-G-A. GRCh37 (hg19) VCF-style: chr12-122255281-G-A.
Other names: short protein forms E995K.
Identifiers: ClinVar variation 4882773 (VCV004882773.2).
Genomic context (GRCh38, chr12:121,817,375, plus strand): 5'-GGTCCCCTTCTTCCGCATCCCCCCAGCCCAGCTCTGACTCCCTCCCTTCCTGCAGAGTCC[G>A]AGCGAGAGCGAGACCGGGATATGGCAGACACCCCCTGTGAGCTCGCCAAGCGGGACCCCA-3'
Protein context (NP_001340274.1, residues 985-1005): TSVDEEDEES[Glu995Lys]RERDRDMADT

ClinVar aggregate classification (germline): Uncertain significance (1 of 4 stars; one submission).

gnomAD v4.1: 26 of 1,525,188 alleles (0.0017%); highest among the groups gnomAD compares: Middle Eastern, 0.034%; no homozygotes.

Submission:

Dasa
Classification: Uncertain significance. Last evaluated: 2025-10-10. Review status: criteria provided, single submitter. Criteria: DASA Assertion Criteria. Collection method: clinical testing. Allele origin: germline.
Comment: NM_001353345.2(SETD1B):c.2983G>A (p.Glu995Lys) is a missense variant that results in the substitution of glutamic acid with lysine. This variant is rare in population databases. Computational prediction algorithms are consistent with a benign effect. The currently available literature and clinical evidence are not sufficient to establish a definitive association between this variant and the reported condition. Therefore, this variant is classified as a variant of uncertain significance.